The following is an entry in ClinVar:

ClinVar aggregate classification (germline): Uncertain significance (1 of 4 stars; one submission).

Conditions:
Autosomal recessive severe congenital neutropenia due to G6PC3 deficiency. Also called: G6PC3 Deficiency; NEUTROPENIA, SEVERE CONGENITAL, 4, AUTOSOMAL RECESSIVE. Identifiers: Orphanet 331176, MedGen C2751630, MONDO:0012930, OMIM 612541.

Allele frequency attached by ClinVar (database versions not stated): gnomAD exomes below 0.00001.
gnomAD v4.1: 1 of 1,614,180 alleles (0.000062%); highest among the groups gnomAD compares: Non-Finnish European, 0.000085%; no homozygotes.

Submission:

Labcorp Genetics (formerly Invitae), Labcorp
Classification: Uncertain significance for Autosomal recessive severe congenital neutropenia due to G6PC3 deficiency. Last evaluated: 2020-03-09. Review status: criteria provided, single submitter. Criteria: Invitae Variant Classification Sherloc (09022015). Collection method: clinical testing. Allele origin: germline.
Comment: This sequence change replaces valine with methionine at codon 190 of the G6PC3 protein (p.Val190Met). The valine residue is moderately conserved and there is a small physicochemical difference between valine and methionine. This variant is not present in population databases (ExAC no frequency). This variant has not been reported in the literature in individuals with G6PC3-related conditions. Algorithms developed to predict the effect of missense changes on protein structure and function are either unavailable or do not agree on the potential impact of this missense change (SIFT: "Deleterious"; PolyPhen-2: "Probably Damaging"; Align-GVGD: "Class C0"). In summary, the available evidence is currently insufficient to determine the role of this variant in disease. Therefore, it has been classified as a Variant of Uncertain Significance.

NM_138387.4(G6PC3):c.568G>A (p.Val190Met)

Gene: G6PC3 (glucose-6-phosphatase catalytic subunit 3; plus strand). Cytogenetic location: 17q21.31.
Variant type: single nucleotide variant.
Coding change: c.568G>A on transcript NM_138387.4 (MANE Select); coding-DNA position 568, G replaced by A.
Protein change: p.Val190Met; replaces valine 190 with methionine.
Molecular consequence: missense variant.
Genome position (GRCh38, 1-based): chr17:44,075,342, G>A. VCF-style: chr17-44075342-G-A. GRCh37 (hg19) VCF-style: chr17-42152710-G-A.
Other names: c.449G>A, p.Ser150Asn (NM_001319945.2); c.223G>A, p.Val75Met (NM_001384165.1, NM_001384166.1, NM_001384167.1 and 1 more transcripts); short protein forms V190M, S150N, V75M.
Identifiers: ClinVar variation 1039269 (VCV001039269.8), dbSNP rs2050072075, ClinGen allele CA399727462.